The following is an entry in ClinVar:

ClinVar aggregate classification (germline): Uncertain significance (1 of 4 stars; one submission).

Conditions:
Intellectual developmental disorder, autosomal dominant 64. Also called: MENTAL RETARDATION, AUTOSOMAL DOMINANT 64. Identifiers: MedGen C5543067, MONDO:0030934, OMIM 619188.

Submission:

OLLIN Analises Genomicas, OLLIN
Classification: Uncertain significance for Intellectual developmental disorder, autosomal dominant 64. Last evaluated: 2026-08-06. Review status: criteria provided, single submitter. Criteria: ACMG Guidelines 2015 PMID 25741868. Collection method: clinical testing. Allele origin: germline. Inheritance: Autosomal dominant inheritance.
Comment: This missense variant, located in exon 8 (of 8), is absent from gnomAD and ClinVar and has not been identified in the literature. In silico analysis predicts that this variant has a tolerated effect. According to the currently available evidence, this variant has been classified as uncertain significance (PM2_P, BP4_M).

NM_015021.3(ZNF292):c.5854C>T (p.Pro1952Ser)

Gene: ZNF292 (zinc finger protein 292; plus strand). Cytogenetic location: 6q14.3.
Variant type: single nucleotide variant.
Coding change: c.5854C>T on transcript NM_015021.3 (MANE Select); coding-DNA position 5854, C replaced by T.
Protein change: p.Pro1952Ser; replaces proline 1952 with serine.
Molecular consequence: missense variant.
Genome position (GRCh38, 1-based): chr6:87,259,483, C>T. VCF-style: chr6-87259483-C-T. GRCh37 (hg19) VCF-style: chr6-87969201-C-T.
Other names: c.5434C>T, p.Pro1812Ser (NM_001351444.2); short protein forms P1952S, P1812S.
Identifiers: ClinVar variation 5002675 (VCV005002675.1).